The following is an entry in ClinVar:

ClinVar aggregate classification (germline): Uncertain significance. Review status: criteria provided, multiple submitters, no conflicts (2 of 4 stars). 2 submissions from 2 submitters: Uncertain significance (2). Last evaluated 2020-04-28.

Conditions:
Hereditary cancer-predisposing syndrome. Also called: Hereditary neoplastic syndrome; Neoplastic Syndromes, Hereditary; Tumor predisposition; Hereditary Cancer Syndrome. Identifiers: Orphanet 140162, MedGen C0027672, MeSH D009386, MONDO:0015356.
Ataxia-telangiectasia syndrome (AT). Also called: Ataxia telangiectasia (A-T); LOUIS-BAR SYNDROME; Cerebello-oculocutaneous telangiectasia; Immunodeficiency with ataxia telangiectasia; Ataxia-telangiectasia, complementation group D; AT, COMPLEMENTATION GROUP C. Identifiers: Orphanet 100, MedGen C0004135, MONDO:0008840, OMIM 208900.

Allele frequency attached by ClinVar (database versions not stated): gnomAD exomes below 0.00001; TOPMed 0.00001.
gnomAD v4.1: 1 of 1,613,880 alleles (0.000062%); highest among the groups gnomAD compares: Non-Finnish European, 0.000085%; no homozygotes.

Submissions (2):

Ambry Genetics
Classification: Uncertain significance for Hereditary cancer-predisposing syndrome. Last evaluated: 2020-04-28. Review status: criteria provided, single submitter. Criteria: Ambry Variant Classification Scheme 2023. Collection method: clinical testing. Allele origin: germline.
Comment: The p.T1504I variant (also known as c.4511C>T), located in coding exon 29 of the ATM gene, results from a C to T substitution at nucleotide position 4511. The threonine at codon 1504 is replaced by isoleucine, an amino acid with similar properties. This amino acid position is well conserved in available vertebrate species. In addition, this alteration is predicted to be tolerated by in silico analysis. Since supporting evidence is limited at this time, the clinical significance of this alteration remains unclear.

Labcorp Genetics (formerly Invitae), Labcorp
Classification: Uncertain significance for Ataxia-telangiectasia syndrome. Last evaluated: 2016-06-12. Review status: criteria provided, single submitter. Criteria: Invitae Variant Classification Sherloc (09022015). Collection method: clinical testing. Allele origin: germline.
Comment: In summary, this variant is a novel missense change that is not predicted to affect protein function. There is no indication that it causes disease, but the available evidence is currently insufficient to prove that conclusively. Therefore, it has been classified as a Variant of Uncertain Significance. Algorithms developed to predict the effect of missense changes on protein structure and function (SIFT, PolyPhen-2, Align-GVGD) all suggest that this variant is likely to be tolerated, but these predictions have not been confirmed by published functional studies. This variant is not present in population databases (ExAC no frequency) and has not been reported in the literature in individuals with an ATM-related disease. This sequence change replaces threonine with isoleucine at codon 1504 of the ATM protein (p.Thr1504Ile). The threonine residue is moderately conserved and there is a moderate physicochemical difference between threonine and isoleucine.

NM_000051.4(ATM):c.4511C>T (p.Thr1504Ile)

Gene: ATM (ATM serine/threonine kinase; plus strand). Cytogenetic location: 11q22.3.
Variant type: single nucleotide variant.
Coding change: c.4511C>T on transcript NM_000051.4 (MANE Select); coding-DNA position 4511, C replaced by T.
Protein change: p.Thr1504Ile; replaces threonine 1504 with isoleucine.
Molecular consequence: missense variant.
Genome position (GRCh38, 1-based): chr11:108,292,693, C>T. VCF-style: chr11-108292693-C-T. GRCh37 (hg19) VCF-style: chr11-108163420-C-T.
Other names: c.4511C>T, p.Thr1504Ile (NM_001351834.2); short protein forms T1504I.
Identifiers: ClinVar variation 407623 (VCV000407623.9), dbSNP rs1060501638, ClinGen allele CA16613353.